The following is an entry in ClinVar:

NM_001371986.1(UNC80):c.1829A>G (p.His610Arg)

Gene: UNC80 (unc-80 homolog, NALCN channel complex subunit; plus strand). Cytogenetic location: 2q34.
Variant type: single nucleotide variant.
Coding change: c.1829A>G on transcript NM_001371986.1 (MANE Select); coding-DNA position 1829, A replaced by G.
Protein change: p.His610Arg; replaces histidine 610 with arginine.
Molecular consequence: missense variant.
Genome position (GRCh38, 1-based): chr2:209,819,128, A>G. VCF-style: chr2-209819128-A-G. GRCh37 (hg19) VCF-style: chr2-210683852-A-G.
Other names: c.1829A>G, p.His610Arg (NM_032504.2, NM_182587.4); short protein forms H610R.
Identifiers: ClinVar variation 1397157 (VCV001397157.3), dbSNP rs548383154, ClinGen allele CA2082975.
Genomic context (GRCh38, chr2:209,819,128, plus strand): 5'-ACTTTTTCAATGAGCATATGAGGAAACTCTGCAACCAGGTGCCTATCCCGGAGATGCCAC[A>G]TGAACCTCTGGCATGTGCTAACCTACCTCGAAGCCTCACAGACTCCTGCATAAACTACAG-3'
Protein context (NP_001358915.1, residues 600-620): CNQVPIPEMP[His610Arg]EPLACANLPR

ClinVar aggregate classification (germline): Uncertain significance (1 of 4 stars; one submission).

Allele frequency attached by ClinVar (database versions not stated): ExAC 0.00004; TOPMed 0.00001; gnomAD exomes 0.00004.
gnomAD v4.1: 6 of 1,552,260 alleles (0.00039%); highest among the groups gnomAD compares: Admixed American, 0.0098%; no homozygotes.

Submission:

Labcorp Genetics (formerly Invitae), Labcorp
Classification: Uncertain significance. Last evaluated: 2022-06-27. Review status: criteria provided, single submitter. Criteria: Invitae Variant Classification Sherloc (09022015). Collection method: clinical testing. Allele origin: germline.
Comment: This sequence change replaces histidine, which is basic and polar, with arginine, which is basic and polar, at codon 610 of the UNC80 protein (p.His610Arg). This variant is present in population databases (rs548383154, gnomAD 0.03%). This variant has not been reported in the literature in individuals affected with UNC80-related conditions. Algorithms developed to predict the effect of missense changes on protein structure and function are either unavailable or do not agree on the potential impact of this missense change (SIFT: "Not Available"; PolyPhen-2: "Probably Damaging"; Align-GVGD: "Not Available"). In summary, the available evidence is currently insufficient to determine the role of this variant in disease. Therefore, it has been classified as a Variant of Uncertain Significance.